The following is an entry in ClinVar:

ClinVar aggregate classification (germline): Uncertain significance. Review status: criteria provided, multiple submitters, no conflicts (2 of 4 stars). 4 submissions from 4 submitters: Uncertain significance (4). Last evaluated 2023-11-20.

Conditions:
Hereditary cancer-predisposing syndrome. Also called: Neoplastic Syndromes, Hereditary; Hereditary Cancer Syndrome; Tumor predisposition; Hereditary neoplastic syndrome. Identifiers: Orphanet 140162, MedGen C0027672, MeSH D009386, MONDO:0015356.
Hereditary breast ovarian cancer syndrome. Also called: BRCA1- and BRCA2-Associated Hereditary Breast and Ovarian Cancer; Hereditary breast and ovarian cancer; Hereditary breast and/or ovarian cancer syndrome; Hereditary breast and ovarian cancer syndrome; Hereditary breast and ovarian cancer syndrome (HBOC); Breast and ovarian cancer. Identifiers: Orphanet 145, MedGen C0677776, MeSH D061325, MONDO:0003582. Disease mechanism: loss of function.

Allele frequency attached by ClinVar (database versions not stated): TOPMed 0.00001.

Submissions (4):

Ambry Genetics
Classification: Uncertain significance for Hereditary cancer-predisposing syndrome. Last evaluated: 2023-11-20. Review status: criteria provided, single submitter. Criteria: Ambry Variant Classification Scheme 2023. Collection method: clinical testing. Allele origin: germline.
Comment: The p.D2819N variant (also known as c.8455G>A), located in coding exon 18 of the BRCA2 gene, results from a G to A substitution at nucleotide position 8455. The aspartic acid at codon 2819 is replaced by asparagine, an amino acid with highly similar properties. This amino acid position is highly conserved in available vertebrate species. In addition, the in silico prediction for this alteration is inconclusive. Since supporting evidence is limited at this time, the clinical significance of this alteration remains unclear.

Labcorp Genetics (formerly Invitae), Labcorp
Classification: Uncertain significance for Hereditary breast ovarian cancer syndrome. Last evaluated: 2023-08-27. Review status: criteria provided, single submitter. Criteria: Invitae Variant Classification Sherloc (09022015). Collection method: clinical testing. Allele origin: germline.
Comment: In summary, the available evidence is currently insufficient to determine the role of this variant in disease. Therefore, it has been classified as a Variant of Uncertain Significance. Advanced modeling of protein sequence and biophysical properties (such as structural, functional, and spatial information, amino acid conservation, physicochemical variation, residue mobility, and thermodynamic stability) performed at Invitae indicates that this missense variant is not expected to disrupt BRCA2 protein function. ClinVar contains an entry for this variant (Variation ID: 573775). This variant has not been reported in the literature in individuals affected with BRCA2-related conditions. This variant is not present in population databases (gnomAD no frequency). This sequence change replaces aspartic acid, which is acidic and polar, with asparagine, which is neutral and polar, at codon 2819 of the BRCA2 protein (p.Asp2819Asn).

Women's Health and Genetics/Laboratory Corporation of America, LabCorp
Classification: Uncertain significance. Last evaluated: 2022-08-19. Review status: criteria provided, single submitter. Criteria: LabCorp Variant Classification Summary - May 2015. Collection method: clinical testing. Allele origin: germline.

GeneDx
Classification: Uncertain significance. Last evaluated: 2019-08-22. Review status: criteria provided, single submitter. Criteria: GeneDx Variant Classification Process June 2021. Collection method: clinical testing. Allele origin: germline. Affected: yes.
Comment: Not observed in large population cohorts (Lek 2016); In silico analysis, which includes protein predictors and evolutionary conservation, supports that this variant does not alter protein structure/function; Has not been previously published as pathogenic or benign to our knowledge; Also known as 8683G>A

NM_000059.4(BRCA2):c.8455G>A (p.Asp2819Asn)

Gene: BRCA2 (BRCA2 DNA repair associated; plus strand). Cytogenetic location: 13q13.1.
Variant type: single nucleotide variant.
Coding change: c.8455G>A on transcript NM_000059.4 (MANE Select); coding-DNA position 8455, G replaced by A.
Protein change: p.Asp2819Asn; replaces aspartic acid 2819 with asparagine.
Molecular consequence: missense variant.
Genome position (GRCh38, 1-based): chr13:32,370,525, G>A. VCF-style: chr13-32370525-G-A. GRCh37 (hg19) VCF-style: chr13-32944662-G-A.
Other names: short protein forms D2819N.
Identifiers: ClinVar variation 573775 (VCV000573775.13), dbSNP rs1479448614, ClinGen allele CA387752588.